The following is an entry in ClinVar:

NM_000489.6(ATRX):c.2320G>T (p.Asp774Tyr)

Gene: ATRX (ATRX chromatin remodeler; minus strand). Cytogenetic location: Xq21.1.
Variant type: single nucleotide variant.
Coding change: c.2320G>T on transcript NM_000489.6 (MANE Select); coding-DNA position 2320, G replaced by T.
Protein change: p.Asp774Tyr; replaces aspartic acid 774 with tyrosine.
Molecular consequence: missense variant.
Genome position (GRCh38, 1-based): chrX:77,682,936, C>A on the plus strand (G>T on the coding strand, the complement: ATRX is on the minus strand). VCF-style: chrX-77682936-C-A. GRCh37 (hg19) VCF-style: chrX-76938428-C-A.
Other names: c.2206G>T, p.Asp736Tyr (NM_138270.5); short protein forms D736Y, D774Y.
Identifiers: ClinVar variation 2506684 (VCV002506684.1), dbSNP rs1557139871, ClinGen allele CA413712682.
Genomic context (GRCh38, chrX:77,682,936, plus strand): 5'-TTTTAGTATCAAAATCTGAGCCAGATGTAGAACTTTTTCGTTTCCTTTTTCCTTTATCAT[C>A]TTTCCCCGCCTGAGTCTTTAAATCATACAAAGTCTTATGGTTTGTATGAATTTCATTAAT-3'
Protein context (NP_000480.3, residues 764-784): LYDLKTQAGK[Asp774Tyr]DKGKRKRKSS

ClinVar aggregate classification (germline): Uncertain significance (1 of 4 stars; one submission).

Submission:

GeneDx
Classification: Uncertain significance. Last evaluated: 2022-12-21. Review status: criteria provided, single submitter. Criteria: GeneDx Variant Classification Process June 2021. Collection method: clinical testing. Allele origin: germline. Affected: yes.
Comment: Not observed at significant frequency in large population cohorts (gnomAD); In silico analysis supports that this missense variant has a deleterious effect on protein structure/function; Has not been previously published as pathogenic or benign to our knowledge